The following is an entry in ClinVar:

NM_000548.5(TSC2):c.5339C>T (p.Thr1780Ile)

Gene: TSC2 (TSC complex subunit 2; plus strand). Cytogenetic location: 16p13.3.
Variant type: single nucleotide variant.
Coding change: c.5339C>T on transcript NM_000548.5 (MANE Select); coding-DNA position 5339, C replaced by T.
Protein change: p.Thr1780Ile; replaces threonine 1780 with isoleucine.
Molecular consequence: missense variant.
Genome position (GRCh38, 1-based): chr16:2,088,525, C>T. VCF-style: chr16-2088525-C-T. GRCh37 (hg19) VCF-style: chr16-2138526-C-T.
Other names: c.5138C>T, p.Thr1713Ile (NM_001077183.3); c.5270C>T, p.Thr1757Ile (NM_001114382.3); c.5030C>T, p.Thr1677Ile (NM_001318827.2); c.4994C>T, p.Thr1665Ile (NM_001318829.2); c.4607C>T, p.Thr1536Ile (NM_001318831.2); c.5171C>T, p.Thr1724Ile (NM_001318832.2); c.5141C>T, p.Thr1714Ile (NM_001363528.2); c.5207C>T, p.Thr1736Ile (NM_001370404.1); and 2 more; short protein forms T1780I, T1536I, T1714I, T1737I, T1677I, T1736I, T1757I, T1665I.
Identifiers: ClinVar variation 405968 (VCV000405968.43), dbSNP rs778395191, ClinGen allele CA055164.

ClinVar aggregate classification (germline): Conflicting classifications of pathogenicity. Review status: criteria provided, conflicting classifications (1 of 4 stars). 7 submissions from 7 submitters: Uncertain significance (1); Benign (1); Likely benign (5). Last evaluated 2025-10-29.

Conditions:
Hereditary cancer-predisposing syndrome. Also called: Neoplastic Syndromes, Hereditary; Hereditary neoplastic syndrome; Tumor predisposition; Hereditary Cancer Syndrome. Identifiers: Orphanet 140162, MedGen C0027672, MeSH D009386, MONDO:0015356.
Tuberous sclerosis 2 (TSC2). Identifiers: Orphanet 805, MedGen C1860707, MONDO:0013199, OMIM 613254.
Tuberous sclerosis syndrome (TSC). Also called: Tuberous Sclerosis Complex; Tuberous sclerosis. Identifiers: Orphanet 805, MedGen C0041341, MONDO:0001734.

Allele frequency attached by ClinVar (database versions not stated): gnomAD exomes 0.00001 and 0.00003; ExAC 0.00003; gnomAD 0.00003 and 0.00004; TOPMed 0.00006.
gnomAD v4.1: 17 of 1,612,434 alleles (0.0011%); highest among the groups gnomAD compares: Admixed American, 0.02%; no homozygotes.

Submissions (7):

Labcorp Genetics (formerly Invitae), Labcorp
Classification: Benign for Tuberous sclerosis 2. Last evaluated: 2025-10-29. Review status: criteria provided, single submitter. Criteria: Invitae Variant Classification Sherloc (09022015). Collection method: clinical testing. Allele origin: germline.

All of Us Research Program, National Institutes of Health
Classification: Uncertain significance for Tuberous sclerosis syndrome. Last evaluated: 2024-01-11. Review status: criteria provided, single submitter. Criteria: ACMG Guidelines, 2015. Collection method: clinical testing. Allele origin: germline. Inheritance: Autosomal dominant inheritance. Observed: 3 variant alleles, 3 heterozygotes.
Comment: This study involves interpretation of variants in research participants for the purpose of population health screening. Participant phenotype was not available at the time of variant classification. Additional details can be found in publication PMID: 35346344, PMCID: PMC8962531

Color Diagnostics, LLC DBA Color Health
Classification: Likely benign for Tuberous sclerosis syndrome. Last evaluated: 2023-01-29. Review status: criteria provided, single submitter. Criteria: ACMG Guidelines, 2015. Collection method: clinical testing. Allele origin: germline.

CeGaT Center for Human Genetics Tuebingen
Classification: Likely benign. Last evaluated: 2022-08-01. Review status: criteria provided, single submitter. Criteria: CeGaT Center For Human Genetics Tuebingen Variant Classification Criteria Version 2. Collection method: clinical testing. Allele origin: germline. Affected: yes. Observed: 1 variant allele.
Comment: TSC2: BP4, BS2

Genome-Nilou Lab
Classification: Likely benign for Tuberous sclerosis 2. Last evaluated: 2021-11-07. Review status: criteria provided, single submitter. Criteria: ACMG Guidelines, 2015. Collection method: clinical testing. Allele origin: germline. Affected: no.

Ambry Genetics
Classification: Likely benign for Hereditary cancer-predisposing syndrome. Last evaluated: 2021-11-04. Review status: criteria provided, single submitter. Criteria: Ambry Variant Classification Scheme 2023. Collection method: clinical testing. Allele origin: germline.

GeneDx
Classification: Likely benign. Last evaluated: 2017-11-27. Review status: criteria provided, single submitter. Criteria: GeneDx Variant Classification (06012015). Collection method: clinical testing. Allele origin: germline. Affected: yes.
Comment: This variant is considered likely benign or benign based on one or more of the following criteria: it is a conservative change, it occurs at a poorly conserved position in the protein, it is predicted to be benign by multiple in silico algorithms, and/or has population frequency not consistent with disease.